The following is an entry in ClinVar:

NM_016138.5(COQ7):c.124G>C (p.Asp42His)

Gene: COQ7 (coenzyme Q7, hydroxylase; plus strand). Cytogenetic location: 16p12.3.
Variant type: single nucleotide variant.
Coding change: c.124G>C on transcript NM_016138.5 (MANE Select); coding-DNA position 124, G replaced by C.
Protein change: p.Asp42His; replaces aspartic acid 42 with histidine.
Molecular consequence: missense variant. On other transcripts: non-coding transcript variant (3).
Genome position (GRCh38, 1-based): chr16:19,071,978, G>C. VCF-style: chr16-19071978-G-C. GRCh37 (hg19) VCF-style: chr16-19083300-G-C.
Other names: p.Asp42His; c.10G>C, p.Asp4His (NM_001190983.2, NM_001370492.1, NM_001370493.1 and 2 more transcripts); c.82G>C, p.Asp28His (NM_001370489.1, NM_001370491.1); c.124G>C, p.Asp42His (NM_001370490.1); short protein forms D42H, D4H, D28H.
Identifiers: ClinVar variation 788901 (VCV000788901.18), dbSNP rs138730205, ClinGen allele CA7932887.

ClinVar aggregate classification (germline): Benign. Review status: criteria provided, multiple submitters, no conflicts (2 of 4 stars). 5 submissions from 5 submitters: Benign (4). 1 of the submissions does not count toward it. Last evaluated 2026-02-01.

Conditions:
COQ7-related disorder. Also called: COQ7-related condition.

Allele frequency attached by ClinVar (database versions not stated): ESP Exome Variant Server 0.00023; gnomAD exomes 0.00274 and 0.00791; TOPMed 0.00581; ExAC 0.00586; gnomAD 0.00663 and 0.00671; 1000 Genomes Project 30x 0.01077; 1000 Genomes Project 0.01078.
gnomAD v4.1: 5,076 of 1,614,224 alleles (0.31%); highest among the groups gnomAD compares: Admixed American, 2.9%; 85 homozygotes.

Submissions (5):

Labcorp Genetics (formerly Invitae), Labcorp
Classification: Benign. Last evaluated: 2026-02-01. Review status: criteria provided, single submitter. Criteria: Invitae Variant Classification Sherloc (09022015). Collection method: clinical testing. Allele origin: germline.

Mayo Clinic Laboratories, Mayo Clinic
Classification: Benign. Last evaluated: 2023-03-21. Review status: criteria provided, single submitter. Criteria: ACMG Guidelines, 2015. Collection method: clinical testing. Allele origin: germline. Observed: 5 variant alleles.
Comment: BS1, BS2, BP4

GeneDx
Classification: Benign. Last evaluated: 2019-10-08. Review status: criteria provided, single submitter. Criteria: GeneDx Variant Classification Process June 2021. Collection method: clinical testing. Allele origin: germline. Affected: yes.

Breakthrough Genomics
Classification: Benign. Review status: criteria provided, single submitter. Criteria: ACMG Guidelines, 2015. Collection method: not provided. Allele origin: germline. Inheritance: Autosomal recessive inheritance. Affected: yes.

PreventionGenetics, part of Exact Sciences
Classification: Benign for COQ7-related condition. Last evaluated: 2019-09-23. Review status: no assertion criteria provided. Collection method: clinical testing. Allele origin: germline. Not counted in ClinVar's aggregate classification.
Comment: This variant is classified as benign based on ACMG/AMP sequence variant interpretation guidelines (Richards et al. 2015 PMID: 25741868, with internal and published modifications).